The following is an entry in ClinVar:

NM_031443.4(CCM2):c.472+6G>C

Gene: CCM2 (CCM2 scaffold protein; plus strand). Cytogenetic location: 7p13.
Variant type: single nucleotide variant.
Coding change: c.472+6G>C on transcript NM_031443.4 (MANE Select); 6 bases into the intron after coding-DNA position 472, G replaced by C.
Molecular consequence: intron variant.
Genome position (GRCh38, 1-based): chr7:45,064,652, G>C. VCF-style: chr7-45064652-G-C. GRCh37 (hg19) VCF-style: chr7-45104251-G-C.
Other names: c.472+6G>C (NM_001363458.2, NM_001167935.2); c.298+6G>C (NM_001363459.2, NM_001167934.2); c.535+6G>C (NM_001029835.2).
Identifiers: ClinVar variation 3724395 (VCV003724395.2).

ClinVar aggregate classification (germline): Uncertain significance (1 of 4 stars; one submission).

Conditions:
Cerebral cavernous malformation 2. Also called: Familial Cerebral Cavernous Malformation 2. Identifiers: Orphanet 221061, MedGen C1864041, MONDO:0011304, OMIM 603284.

Submission:

Labcorp Genetics (formerly Invitae), Labcorp
Classification: Uncertain significance for Cerebral cavernous malformation 2. Last evaluated: 2024-10-31. Review status: criteria provided, single submitter. Criteria: Invitae Variant Classification Sherloc (09022015). Collection method: clinical testing. Allele origin: germline.
Comment: This sequence change falls in intron 4 of the CCM2 gene. It does not directly change the encoded amino acid sequence of the CCM2 protein. It affects a nucleotide within the consensus splice site. This variant is not present in population databases (gnomAD no frequency). This variant has not been reported in the literature in individuals affected with CCM2-related conditions. Variants that disrupt the consensus splice site are a relatively common cause of aberrant splicing (PMID: 17576681, 9536098). Algorithms developed to predict the effect of sequence changes on RNA splicing suggest that this variant is not likely to affect RNA splicing. In summary, the available evidence is currently insufficient to determine the role of this variant in disease. Therefore, it has been classified as a Variant of Uncertain Significance.

Literature cited by the submitters: PubMed 17576681; PubMed 9536098.